The following is an entry in ClinVar:

NM_024642.5(GALNT12):c.1192C>T (p.Arg398Cys)

Gene: GALNT12 (polypeptide N-acetylgalactosaminyltransferase 12; plus strand). Cytogenetic location: 9q22.33.
Variant type: single nucleotide variant.
Coding change: c.1192C>T on transcript NM_024642.5 (MANE Select); coding-DNA position 1192, C replaced by T.
Protein change: p.Arg398Cys; replaces arginine 398 with cysteine.
Molecular consequence: missense variant.
Genome position (GRCh38, 1-based): chr9:98,837,128, C>T. VCF-style: chr9-98837128-C-T. GRCh37 (hg19) VCF-style: chr9-101599410-C-T.
Other names: short protein forms R398C.
Identifiers: ClinVar variation 818566 (VCV000818566.10), dbSNP rs747755624, ClinGen allele CA5154181.

ClinVar aggregate classification (germline): Uncertain significance. Review status: criteria provided, multiple submitters, no conflicts (2 of 4 stars). 2 submissions from 2 submitters: Uncertain significance (2). Last evaluated 2025-12-18.

Allele frequency attached by ClinVar (database versions not stated): gnomAD 0.00001; gnomAD exomes 0.00001 and 0.00003; TOPMed 0.00001; ExAC 0.00002.
gnomAD v4.1: 23 of 1,614,064 alleles (0.0014%); highest among the groups gnomAD compares: East Asian, 0.011%; no homozygotes.

Submissions (2):

Ambry Genetics
Classification: Uncertain significance. Last evaluated: 2025-12-18. Review status: criteria provided, single submitter. Criteria: Ambry Variant Classification Scheme 2023. Collection method: clinical testing. Allele origin: germline.
Comment: The p.R398C variant (also known as c.1192C>T), located in coding exon 6 of the GALNT12 gene, results from a C to T substitution at nucleotide position 1192. The arginine at codon 398 is replaced by cysteine, an amino acid with highly dissimilar properties. This amino acid position is highly conserved in available vertebrate species. In addition, this alteration is predicted to be deleterious by in silico analysis. Since supporting evidence is limited at this time, the clinical significance of this alteration remains unclear.

Labcorp Genetics (formerly Invitae), Labcorp
Classification: Uncertain significance. Last evaluated: 2025-09-03. Review status: criteria provided, single submitter. Criteria: Invitae Variant Classification Sherloc (09022015). Collection method: clinical testing. Allele origin: germline.
Comment: This sequence change replaces arginine, which is basic and polar, with cysteine, which is neutral and slightly polar, at codon 398 of the GALNT12 protein (p.Arg398Cys). This variant is present in population databases (rs747755624, gnomAD 0.03%). This variant has not been reported in the literature in individuals affected with GALNT12-related conditions. ClinVar contains an entry for this variant (Variation ID: 818566). Invitae Evidence Modeling of protein sequence and biophysical properties (such as structural, functional, and spatial information, amino acid conservation, physicochemical variation, residue mobility, and thermodynamic stability) indicates that this missense variant is expected to disrupt GALNT12 protein function with a positive predictive value of 80%. In summary, the available evidence is currently insufficient to determine the role of this variant in disease. Therefore, it has been classified as a Variant of Uncertain Significance.